The following is an entry in ClinVar:

ClinVar aggregate classification (germline): Uncertain significance. Review status: criteria provided, multiple submitters, no conflicts (2 of 4 stars). 2 submissions from 2 submitters: Uncertain significance (2). Last evaluated 2023-01-26.

Submissions (2):

Ambry Genetics
Classification: Uncertain significance. Last evaluated: 2023-01-26. Review status: criteria provided, single submitter. Criteria: Ambry Variant Classification Scheme 2023. Collection method: clinical testing. Allele origin: germline.

Labcorp Genetics (formerly Invitae), Labcorp
Classification: Uncertain significance. Last evaluated: 2020-06-02. Review status: criteria provided, single submitter. Criteria: Invitae Variant Classification Sherloc (09022015). Collection method: clinical testing. Allele origin: germline.
Comment: In summary, the available evidence is currently insufficient to determine the role of this variant in disease. Therefore, it has been classified as a Variant of Uncertain Significance. Algorithms developed to predict the effect of missense changes on protein structure and function are either unavailable or do not agree on the potential impact of this missense change (SIFT: "Not Available"; PolyPhen-2: "Possibly Damaging"; Align-GVGD: "Not Available"). This variant has not been reported in the literature in individuals with CEP250-related conditions. This variant is not present in population databases (ExAC no frequency). This sequence change replaces glutamine with leucine at codon 1760 of the CEP250 protein (p.Gln1760Leu). The glutamine residue is highly conserved and there is a moderate physicochemical difference between glutamine and leucine.

NM_007186.6(CEP250):c.5279A>T (p.Gln1760Leu)

Gene: CEP250 (centrosomal protein 250; plus strand). Cytogenetic location: 20q11.22.
Variant type: single nucleotide variant.
Coding change: c.5279A>T on transcript NM_007186.6 (MANE Select); coding-DNA position 5279, A replaced by T.
Protein change: p.Gln1760Leu; replaces glutamine 1760 with leucine.
Molecular consequence: missense variant.
Genome position (GRCh38, 1-based): chr20:35,503,648, A>T. VCF-style: chr20-35503648-A-T. GRCh37 (hg19) VCF-style: chr20-34091476-A-T.
Other names: c.3383A>T, p.Gln1128Leu (NM_001318219.1); c.5279A>T (NM_007186.3); short protein forms Q1760L, Q1128L.
Identifiers: ClinVar variation 1040857 (VCV001040857.9), dbSNP rs757335817, ClinGen allele CA408751059.